The following is an entry in ClinVar:

ClinVar aggregate classification (germline): Pathogenic. Review status: criteria provided, multiple submitters, no conflicts (2 of 4 stars). 2 submissions from 2 submitters: Pathogenic (2). Last evaluated 2026-10-07.

Conditions:
Angelman syndrome (AS). Also called: HAPPY PUPPET SYNDROME. Identifiers: Orphanet 72, MedGen C0162635, MONDO:0007113, OMIM 105830. Disease mechanism: loss of function. Inheritance: AS is caused by disruption of maternally imprinted UBE3A located within the 15q11.2-q13 Angelman syndrome/Prader-Willi syndrome (AS/PWS) region., imprinting disorder.

Submissions (2):

Department of Molecular Genetics, Istishari Arab Hospital
Classification: Pathogenic for Angelman syndrome. Last evaluated: 2026-10-07. Review status: criteria provided, single submitter. Criteria: ACMG Guidelines, 2015. Collection method: clinical testing. Allele origin: germline. Inheritance: Autosomal dominant inheritance. Affected: yes.
Comment: The UBE3A variant c.1540C>T introduces a premature termination codon at amino acid position 514 in exon 6 (of 13 exons) and is predicted to trigger nonsense-mediated mRNA decay. Loss of function of the maternally expressed UBE3A allele is an established mechanism of Angelman syndrome (PMID: 20034088, 19213023, 8988172, 20301323). This variant is absent from the gnomAD v4.1.0 population database and, to the best of our knowledge, has not been previously reported in the literature. It is classified as pathogenic based on the implementation of the ACMG/AMP/ClinGen SVI guidelines.

Molecular Genetics, Royal Melbourne Hospital
Classification: Pathogenic for Angelman syndrome. Last evaluated: 2024-05-02. Review status: criteria provided, single submitter. Criteria: ACMG Guidelines, 2015. Collection method: clinical testing. Allele origin: germline. Inheritance: Autosomal dominant inheritance. Affected: yes.
Comment: This sequence change in UBE3A is a nonsense variant predicted to cause a premature stop codon, p.(Gln514*), in biologically relevant exon 6/13 leading to nonsense-mediated decay in a gene in which loss-of-function is an established disease mechanism (PMID: 20034088, 19213023, 8988172, 20301323). This variant is absent from the population database gnomAD v4.1. To our knowledge, this variant is novel and has not been previously reported in the relevant scientific literature or databases. Based on the classification scheme RMH Modified ACMG/AMP Guidelines v1.6.1, this variant is classified as PATHOGENIC. Following criteria are met: PVS1, PM2_Supporting, PP4.

Literature cited by the submitters: PubMed 20034088 (cited by Department of Molecular Genetics, Istishari Arab Hospital and Molecular Genetics, Royal Melbourne Hospital); PubMed 19213023 (cited by Department of Molecular Genetics, Istishari Arab Hospital and Molecular Genetics, Royal Melbourne Hospital); PubMed 8988172 (cited by Department of Molecular Genetics, Istishari Arab Hospital and Molecular Genetics, Royal Melbourne Hospital); PubMed 20301323 (cited by Department of Molecular Genetics, Istishari Arab Hospital and Molecular Genetics, Royal Melbourne Hospital).

NM_130839.5(UBE3A):c.1540C>T (p.Gln514Ter)

Genes: SNHG14 (small nucleolar RNA host gene 14; plus strand), UBE3A (ubiquitin protein ligase E3A; minus strand). Cytogenetic location: 15q11.2.
Variant type: single nucleotide variant.
Coding change: c.1540C>T on transcript NM_130839.5 (MANE Select); coding-DNA position 1540, C replaced by T.
Protein change: p.Gln514Ter; replaces glutamine 514 with a stop codon.
Molecular consequence: nonsense. On other transcripts: non-coding transcript variant (1), intron variant (2).
Genome position (GRCh38, 1-based): chr15:25,370,634, G>A on the plus strand (C>T on the coding strand, the complement: UBE3A is on the minus strand). VCF-style: chr15-25370634-G-A. GRCh37 (hg19) VCF-style: chr15-25615781-G-A.
Other names: p.Gln514Ter; c.1480C>T, p.Gln494Ter (NM_001354542.2, NM_001354543.2, NM_001354544.2 and 17 more transcripts); c.1540C>T, p.Gln514Ter (NM_001354545.2, NM_001354505.1, NM_001354538.2); c.1363C>T, p.Gln455Ter (NM_001354546.2); c.301+4831C>T (NM_001354551.2); c.361+4831C>T (NM_001354550.2); c.1549C>T, p.Gln517Ter (NM_000462.5); short protein forms Q455*, Q494*, Q514*, Q517*.
Identifiers: ClinVar variation 3773758 (VCV003773758.2).